The following is an entry in ClinVar:

NM_000500.9(CYP21A2):c.188A>T (p.His63Leu)

Genes: CYP21A2 (cytochrome P450 family 21 subfamily A member 2; plus strand), LOC106780800 (CYP21A2 recombination region; plus strand). Cytogenetic location: 6p21.33.
Variant type: single nucleotide variant.
Coding change: c.188A>T on transcript NM_000500.9 (MANE Select); coding-DNA position 188, A replaced by T.
Protein change: p.His63Leu; replaces histidine 63 with leucine.
Molecular consequence: missense variant. On other transcripts: 5 prime UTR variant (2).
Genome position (GRCh38, 1-based): chr6:32,038,610, A>T. VCF-style: chr6-32038610-A-T. GRCh37 (hg19) VCF-style: chr6-32006387-A-T.
Other names: H62L; c.188A>T, p.His63Leu (NM_001128590.4); c.-237A>T (NM_001368143.2); c.-147A>T (NM_001368144.2); short protein forms H63L.
Identifiers: ClinVar variation 12183 (VCV000012183.22), dbSNP rs9378252, ClinGen allele CA200316.

ClinVar aggregate classification (germline): Conflicting classifications of pathogenicity. Review status: criteria provided, conflicting classifications (1 of 4 stars). 13 submissions from 13 submitters: Pathogenic (5); Likely pathogenic (4); Benign (2); Likely benign (1). 1 of the submissions does not count toward it. Last evaluated 2026-09-07.

Conditions:
CYP21A2-related disorder. Also called: CYP21A2-related condition.
Congenital adrenal hyperplasia. Identifiers: Orphanet 418, MedGen C0001627, MONDO:0018479, HP:0008258.
21-Hydroxylase-Deficient Congenital Adrenal Hyperplasia. Also called: ADRENAL HYPERPLASIA III; ADRENAL HYPERPLASIA, CONGENITAL, DUE TO 21-HYDROXYLASE DEFICIENCY. Identifiers: MedGen C2936858, OMIM 201910.

Allele frequency attached by ClinVar (database versions not stated): gnomAD 0.00964 and 0.00995; gnomAD exomes 0.04407; ExAC 0.09368; 1000 Genomes Project 30x 0.01608.

Submissions (13):

Hema, HEMA – Genetic and Molecular Diagnostic Laboratory
Classification: Pathogenic for 21-Hydroxylase-Deficient Congenital Adrenal Hyperplasia. Last evaluated: 2026-09-07. Review status: criteria provided, single submitter. Criteria: HEMA Variant Classification Assertion Criteria. Collection method: clinical testing. Allele origin: germline.
Comment: It is a transversion from adenine to thymine that results in the substitution of histidine 63 by leucine. In older literature, it can be found as His62Leu. PS3: Functional studies showed that the variant affects protein function (PMID: 18319307, 18381579). PM3_VeryStrong: The variant has been reported in the heterozygous state in compound heterozygosity with pathogenic variants in 6 individuals with congenital adrenal hyperplasia (PMID: 18319307, 23926370, 23936690, 32289882, 38610036).

Dasa
Classification: Pathogenic. Last evaluated: 2026-04-28. Review status: criteria provided, single submitter. Criteria: DASA Assertion Criteria. Collection method: clinical testing. Allele origin: germline.
Comment: NM_000500.9(CYP21A2):c.188A>T (p.His63Leu) is a missense variant that results in the substitution of histidine with leucine. Segregation evidence has been reported in affected families. This variant has been observed in affected individuals with related phenotype in a genotype context consistent with recessive disease (PMID: 30995443; PMID: 28819757; PMID: 20587039; PMID: 23936690; PMID: 18381579). Functional evidence supports a deleterious effect on the gene or gene product (PMID: 30995443; PMID: 28819757; PMID: 20587039; PMID: 23936690; PMID: 18381579). This variant has been recurrently observed in individuals with related phenotype (PMID: 30995443; PMID: 28819757; PMID: 20587039; PMID: 23936690; PMID: 18381579). Multiple computational predictions support a deleterious effect on the gene or gene product. The variant is present at low frequency in population datasets. Based on the available data, this variant is classified as pathogenic.

PreventionGenetics, part of Exact Sciences
Classification: Pathogenic for CYP21A2-related condition. Last evaluated: 2026-04-22. Review status: criteria provided, single submitter. Criteria: ACMG Guidelines, 2015. Collection method: clinical testing. Allele origin: germline.
Comment: The CYP21A2 c.188A>T variant is predicted to result in the amino acid substitution p.His63Leu. This variant has been reported to be pathogenic for congenital adrenal hyperplasia (CAH) due to 21-hydroxylase deficiency and has been validated to be predominantly associated with non-classic CAH due to reduced but not eliminated enzyme efficiency (also known as H62L in the literature; Menassa et al. 2008. PubMed ID: 18319307; Soardi et al. 2008. PubMed ID: 18381579; Haider et al. 2013. PubMed ID: 23359706; Nagasaki et al. 2009. PubMed ID: 23926370; Wan et al. 2022. PubMed ID: 36167262; simple virilizing form CAH in Taboas et al. 2013. PubMed ID: 23936690). This variant is reported in 15% of alleles in individuals of East Asian descent but without homozygotes in gnomAD. This variant falls within a highly paralogous region. Allele frequency data should be interpreted with caution. This variant is interpreted as pathogenic.

Lildballe Lab, Aarhus University Hospital
Classification: Likely pathogenic for congenital adrenal hyperplasia, due to 21-hydroxylase deficiency. Last evaluated: 2025-10-09. Review status: criteria provided, single submitter. Criteria: ACMG Guidelines, 2015. Collection method: research. Allele origin: germline. Affected: yes.
Comment: PS3 PM3mod PM2sup PM1sup PP2 PS4

Blueprint Genetics
Classification: Likely benign. Last evaluated: 2024-11-26. Review status: criteria provided, single submitter. Criteria: ACMG Guidelines, 2015. Collection method: clinical testing. Allele origin: germline.

3billion
Classification: Likely pathogenic for 21-Hydroxylase-Deficient Congenital Adrenal Hyperplasia. Last evaluated: 2024-03-10. Review status: criteria provided, single submitter. Criteria: ACMG Guidelines, 2015. Collection method: clinical testing. Allele origin: germline. Affected: yes.
Comment: It is observed in the gnomAD v2.1.1 dataset (total allele frequency: 3.907% NA). Predicted Consequence/Location: Missense variant Functional studies provide moderate evidence of the variant having a damaging effect on the gene or gene product (PMID: 18319307). Same nucleotide change resulting in same amino acid change has been previously reported as pathogenic/likely pathogenic with strong evidence (ClinVar ID: VCV000012183 /PMID: 18319307). Therefore, this variant is classified as Likely pathogenic according to the recommendation of ACMG/AMP guideline.

Department of Pathology and Laboratory Medicine, Sinai Health System
Classification: Likely pathogenic for 21-Hydroxylase-Deficient Congenital Adrenal Hyperplasia. Last evaluated: 2023-08-29. Review status: criteria provided, single submitter. Criteria: ACMG Guidelines, 2015. Collection method: research. Allele origin: germline.

Women's Health and Genetics/Laboratory Corporation of America, LabCorp
Classification: Likely pathogenic for Congenital adrenal hyperplasia. Last evaluated: 2022-10-01. Review status: criteria provided, single submitter. Criteria: LabCorp Variant Classification Summary - May 2015. Collection method: clinical testing. Allele origin: germline.
Comment: Variant summary: CYP21A2 c.188A>T (p.His63Leu) results in a non-conservative amino acid change in the encoded protein sequence. Four of five in-silico tools predict a benign effect of the variant on protein function. The variant was present at a high frequency in 7520 out of 19,2468 control chromosomes in the gnomAD database, however, the inability of this data to distinguish the occurrence of this variant in the CYP21A1P pseudogene versus the real CYP21A2 gene makes this data unreliable to formulate conclusive opinions. In a cross-sectional review of the literature, c.188A>T has been reported in isolation as a compound heterozygote in trans with other CYP21A2 alleles in individuals affected with non-classic and simple virilizing forms of Congenital Adrenal Hyperplasia (example, Menassa_2008, Taboas_2013, Fernandez_2020, Nagasaki_2009) as well as a complex allele in cis with other putative CYP21A2 alleles (example, Soardi_2008, Liu_2022) and as a non-informative genotype (without a clear second allele specification) (example, Wang_2021, Yoon_2021). At-least one of these studies reports comprehensive genotyping utilizing orthogonal technologies to confirm the allele origin (example, Fernandez_2020). A recent report by the European Molecular Genetics Quality Network (EMQN) describing the best practice guidelines for molecular genetic testing and reporting of 21-hydroxylase deficiency lists this variant among those classified as "definitely pathogenic" for a non-classic phenotype (Baumgartner-Parzer_2020). These data indicate that the variant in isolation is likely to be associated with disease. At least two publications report experimental evidence evaluating an impact on protein function. The most pronounced variant effect results in variable levels of CYP21A2 enzyme activity depending upon the substrate utilized, namely 17-Hydroxyprogesterone or Progesterone. The reported activities range from one study reporting 70.8% of WT for conversion of 17OHP to 11-deoxycortisol (i.e., a 29.2% reduction in activity) and 66.5% of WT for conversion of Progesterone to 11-Deoxycorticosterone (DOC) (i.e., a 33.5% reduction in activity) with a similar reduction in maximal velocity (Vmax) (72.17% and 69.16% respectively) (Menassa_2008), while another study reporting a more pronounced impact on activity, 44.5% of WT with 17-OHP substrate and 20.7% of WT with Progesterone substrate (Soardi_2008) and a more pronounced impact of maximal velocity (Vmax) (13% and 8.65% respectively). Two clinical diagnostic laboratories have submitted clinical-significance assessments for this variant to ClinVar after 2014 without evidence for independent evaluation. All laboratories classified the variant as benign. Based on the evidence outlined above, the variant was classified as likely pathogenic.

Athena Diagnostics
Classification: Pathogenic. Last evaluated: 2022-09-28. Review status: criteria provided, single submitter. Criteria: Athena Diagnostics Criteria. Collection method: clinical testing. Allele origin: unknown.
Comment: Frequency data for this variant in the general population cannot be distinguished from that of the CYP21P pseudogene, and are therefore uninformative in assessment of variant pathogenicity. In some published literature, this variant is referred to as c.185A>T (p.His62Leu). This variant has been seen in trans with other recessive pathogenic CYP21A2 variants in multiple individuals with congenital and also nonclassic forms of CAH. Assessment of experimental evidence suggests this variant results in abnormal protein function. See PMID: 18319307, 18381579.

Quest Diagnostics Nichols Institute San Juan Capistrano
Classification: Pathogenic. Last evaluated: 2022-09-28. Review status: criteria provided, single submitter. Criteria: Quest Diagnostics criteria. Collection method: clinical testing. Allele origin: unknown.
Comment: The variant has been found in at least one symptomatic individual. Functional evidence suggests that this variant may impact protein function. The variant occurs in multiple cases with a lone recessive pathogenic/likely pathogenic variant in the same gene, and have phenotype known to be consistent with disease. Based on the available information, this variant is classified as pathogenic.

Mendelics
Classification: Benign for 21-Hydroxylase-Deficient Congenital Adrenal Hyperplasia. Last evaluated: 2019-05-28. Review status: criteria provided, single submitter. Criteria: Mendelics Assertion Criteria 2017. Collection method: clinical testing. Allele origin: unknown.

Eurofins Ntd Llc (ga)
Classification: Benign. Last evaluated: 2015-02-23. Review status: criteria provided, single submitter. Criteria: EGL Classification Definitions 2015. Collection method: clinical testing. Allele origin: germline. Observed: 2 variant alleles, 2 heterozygotes.

OMIM
Classification: Pathogenic for ADRENAL HYPERPLASIA, CONGENITAL, DUE TO 21-HYDROXYLASE DEFICIENCY. Last evaluated: 2008-06-01. Review status: no assertion criteria provided. Collection method: literature only. Allele origin: germline. Not counted in ClinVar's aggregate classification.

Literature cited by the submitters: PubMed 18319307 (cited by 6 submitters); PubMed 18381579 (cited by 6 submitters); PubMed 23926370 (cited by 4 submitters); PubMed 23936690 (cited by 5 submitters); PubMed 32289882 (cited by 4 submitters); PubMed 38610036 (cited by Hema, HEMA – Genetic and Molecular Diagnostic Laboratory); PubMed 30995443 (cited by 3 submitters); PubMed 28819757 (cited by Dasa); PubMed 20587039 (cited by 3 submitters); PubMed 33864926 (cited by Dasa and Women's Health and Genetics/Laboratory Corporation of America, LabCorp); PubMed 32616876 (cited by 4 submitters); PubMed 35714169 (cited by 3 submitters); PubMed 32965796 (cited by Women's Health and Genetics/Laboratory Corporation of America, LabCorp); PubMed 23337727 (cited by Athena Diagnostics and Quest Diagnostics Nichols Institute San Juan Capistrano); PubMed 10364682 (cited by Athena Diagnostics and Quest Diagnostics Nichols Institute San Juan Capistrano); PubMed 12222711 (cited by Athena Diagnostics and Quest Diagnostics Nichols Institute San Juan Capistrano); PubMed 12788866 (cited by Athena Diagnostics and Quest Diagnostics Nichols Institute San Juan Capistrano); PubMed 21228398 (cited by Athena Diagnostics and Quest Diagnostics Nichols Institute San Juan Capistrano); PubMed 18039588 (cited by Athena Diagnostics and Quest Diagnostics Nichols Institute San Juan Capistrano); PubMed 21117955 (cited by Athena Diagnostics and Quest Diagnostics Nichols Institute San Juan Capistrano); PubMed 24622265 (cited by Athena Diagnostics and Quest Diagnostics Nichols Institute San Juan Capistrano); PubMed 27966633 (cited by Athena Diagnostics and Quest Diagnostics Nichols Institute San Juan Capistrano); PubMed 27896104 (cited by Athena Diagnostics and Quest Diagnostics Nichols Institute San Juan Capistrano); PubMed 24312389 (cited by Athena Diagnostics and Quest Diagnostics Nichols Institute San Juan Capistrano); PubMed 32659761 (cited by Athena Diagnostics and Quest Diagnostics Nichols Institute San Juan Capistrano); PubMed 26804566 (cited by Athena Diagnostics and Quest Diagnostics Nichols Institute San Juan Capistrano); PubMed 30816000 (cited by Athena Diagnostics and Quest Diagnostics Nichols Institute San Juan Capistrano).